The following is an entry in ClinVar:

NM_000444.6(PHEX):c.2T>C (p.Met1Thr)

Gene: PHEX (phosphate regulating endopeptidase X-linked; plus strand). Cytogenetic location: Xp22.11.
Variant type: single nucleotide variant.
Coding change: c.2T>C on transcript NM_000444.6 (MANE Select); coding-DNA position 2, T replaced by C.
Protein change: p.Met1Thr; changes the start codon (methionine 1).
Molecular consequence: missense variant, initiator codon variant.
Genome position (GRCh38, 1-based): chrX:22,033,007, T>C. VCF-style: chrX-22033007-T-C. GRCh37 (hg19) VCF-style: chrX-22051125-T-C.
Other names: c.2T>C, p.Met1Thr (NM_001282754.2); short protein forms M1T.
Identifiers: ClinVar variation 1073924 (VCV001073924.9), dbSNP rs2146974183, ClinGen allele CA412563645.

ClinVar aggregate classification (germline): Pathogenic (1 of 4 stars; one submission).

Submission:

Labcorp Genetics (formerly Invitae), Labcorp
Classification: Pathogenic. Last evaluated: 2020-05-23. Review status: criteria provided, single submitter. Criteria: Invitae Variant Classification Sherloc (09022015). Collection method: clinical testing. Allele origin: germline.
Comment: This variant is not present in population databases (ExAC no frequency). For these reasons, this variant has been classified as Pathogenic. Disruption of the initiator codon has been observed in individuals affected with X-linked hypophosphatemia (PMID: 30682568, Invitae). In at least one individual the variant was observed to be de novo. This sequence change affects the initiator methionine of the PHEX mRNA. The next in-frame methionine is located at codon 98.

Literature cited by the submitters: PubMed 30682568.